The following is an entry in ClinVar:

NM_001009944.3(PKD1):c.2491C>G (p.Pro831Ala)

Gene: PKD1 (polycystin 1, transient receptor potential channel interacting; minus strand). Cytogenetic location: 16p13.3.
Variant type: single nucleotide variant.
Coding change: c.2491C>G on transcript NM_001009944.3 (MANE Select); coding-DNA position 2491, C replaced by G.
Protein change: p.Pro831Ala; replaces proline 831 with alanine.
Molecular consequence: missense variant.
Genome position (GRCh38, 1-based): chr16:2,114,532, G>C on the plus strand (C>G on the coding strand, the complement: PKD1 is on the minus strand). VCF-style: chr16-2114532-G-C. GRCh37 (hg19) VCF-style: chr16-2164533-G-C.
Other names: c.2491C>G, p.Pro831Ala (NM_000296.4); short protein forms P831A.
Identifiers: ClinVar variation 5038176 (VCV005038176.1).

ClinVar aggregate classification (germline): Uncertain significance (1 of 4 stars; one submission).

Conditions:
Polycystic kidney disease, adult type (PKD1). Also called: Polycystic Kidney Disease 1, Autosomal Dominant; POLYCYSTIC KIDNEY DISEASE, ADULT, TYPE I; Polycystic kidney disease 1; Polycystic kidney disease 1, severe; POLYCYSTIC KIDNEY DISEASE 1 WITH OR WITHOUT POLYCYSTIC LIVER DISEASE; Polycystic Kidney, Autosomal Dominant. Identifiers: MedGen C3149841, MONDO:0008263, OMIM 173900.

Submission:

MVZ Medizinische Genetik Mainz
Classification: Uncertain significance for Polycystic kidney disease, adult type. Last evaluated: 2026-10-08. Review status: criteria provided, single submitter. Criteria: UK Practice Guidelines For Variant Classification V4 01 2020. Collection method: clinical testing. Allele origin: germline. Inheritance: Autosomal dominant inheritance. Affected: yes. Observed: 1 variant allele.
Comment: ACMG Criteria: PM2_SUP, PP4, BP4_MOD